The following is an entry in ClinVar:

ClinVar aggregate classification (germline): Benign/Likely benign. Review status: criteria provided, multiple submitters, no conflicts (2 of 4 stars). 5 submissions from 5 submitters: Benign (1); Likely benign (3). 1 of the submissions does not count toward it. Last evaluated 2026-06-04.

Conditions:
KIT-related disorder. Also called: KIT-related condition.
Hereditary cancer-predisposing syndrome. Also called: Neoplastic Syndromes, Hereditary; Hereditary Cancer Syndrome; Hereditary neoplastic syndrome; Tumor predisposition. Identifiers: Orphanet 140162, MedGen C0027672, MeSH D009386, MONDO:0015356.
Gastrointestinal stromal tumor. Also called: Gastrointestinal stromal tumor, somatic; Gastrointestinal stroma tumor. Identifiers: Orphanet 44890, MedGen C0238198, MeSH D046152, MONDO:0011719, OMIM 606764, HP:0100723.

Allele frequency attached by ClinVar (database versions not stated): ExAC 0.00001; gnomAD exomes 0.00001; TOPMed 0.00008; gnomAD 0.00009.

Submissions (5):

Myriad Genetics, Inc.
Classification: Benign for Gastrointestinal stromal tumor. Last evaluated: 2026-06-04. Review status: criteria provided, single submitter. Criteria: Myriad Autosomal Dominant, Autosomal Recessive and X-Linked Classification Criteria (2023). Collection method: clinical testing. Allele origin: unknown.
Comment: This variant is considered benign. This variant is a silent/synonymous amino acid change and it is not expected to impact splicing.

Labcorp Genetics (formerly Invitae), Labcorp
Classification: Likely benign for Gastrointestinal stromal tumor. Last evaluated: 2026-01-11. Review status: criteria provided, single submitter. Criteria: Invitae Variant Classification Sherloc (09022015). Collection method: clinical testing. Allele origin: germline.

Blueprint Genetics
Classification: Likely benign. Last evaluated: 2024-09-26. Review status: criteria provided, single submitter. Criteria: ACMG Guidelines, 2015. Collection method: clinical testing. Allele origin: germline.

Ambry Genetics
Classification: Likely benign for Hereditary cancer-predisposing syndrome. Last evaluated: 2022-03-26. Review status: criteria provided, single submitter. Criteria: Ambry Variant Classification Scheme 2023. Collection method: clinical testing. Allele origin: germline.

PreventionGenetics, part of Exact Sciences
Classification: Likely benign for KIT-related condition. Last evaluated: 2021-12-31. Review status: no assertion criteria provided. Collection method: clinical testing. Allele origin: germline. Not counted in ClinVar's aggregate classification.
Comment: This variant is classified as likely benign based on ACMG/AMP sequence variant interpretation guidelines (Richards et al. 2015 PMID: 25741868, with internal and published modifications).

NM_000222.3(KIT):c.2290C>T (p.Leu764=)

Gene: KIT (KIT proto-oncogene, receptor tyrosine kinase; plus strand). Cytogenetic location: 4q12.
Variant type: single nucleotide variant.
Coding change: c.2290C>T on transcript NM_000222.3 (MANE Select); coding-DNA position 2290, C replaced by T.
Protein change: p.Leu764=; no amino-acid change (leucine 764 retained).
Molecular consequence: synonymous variant.
Genome position (GRCh38, 1-based): chr4:54,731,927, C>T. VCF-style: chr4-54731927-C-T. GRCh37 (hg19) VCF-style: chr4-55598093-C-T.
Other names: c.2278C>T, p.Leu760= (NM_001093772.2, NM_001385292.1); c.2293C>T, p.Leu765= (NM_001385284.1); c.2287C>T, p.Leu763= (NM_001385285.1); c.2275C>T, p.Leu759= (NM_001385286.1); c.2281C>T, p.Leu761= (NM_001385288.1); c.2290C>T, p.Leu764= (NM_001385290.1).
Identifiers: ClinVar variation 458914 (VCV000458914.18), dbSNP rs770413971, ClinGen allele CA2923715.